The following is an entry in ClinVar:

NM_198428.3(BBS9):c.1798C>T (p.Arg600Cys)

Gene: BBS9 (Bardet-Biedl syndrome 9; plus strand). Cytogenetic location: 7p14.3.
Variant type: single nucleotide variant.
Coding change: c.1798C>T on transcript NM_198428.3 (MANE Select); coding-DNA position 1798, C replaced by T.
Protein change: p.Arg600Cys; replaces arginine 600 with cysteine.
Molecular consequence: missense variant. On other transcripts: non-coding transcript variant (3).
Genome position (GRCh38, 1-based): chr7:33,383,674, C>T. VCF-style: chr7-33383674-C-T. GRCh37 (hg19) VCF-style: chr7-33423286-C-T.
Other names: c.1693C>T, p.Arg565Cys (NM_001033604.2); c.1783C>T, p.Arg595Cys (NM_001033605.2); c.1798C>T, p.Arg600Cys (NM_001348036.1, NM_001348041.4, NM_001348043.3 and 1 more transcripts); c.1432C>T, p.Arg478Cys (NM_001348037.3, NM_001348045.3, NM_001348046.3); c.1525C>T, p.Arg509Cys (NM_001348038.3); c.1420C>T, p.Arg474Cys (NM_001348039.3); c.1678C>T, p.Arg560Cys (NM_001348040.3, NM_014451.4); c.1663C>T, p.Arg555Cys (NM_001348042.3); and 2 more; short protein forms R509C, R600C, R478C, R560C, R443C, R474C, R555C, R565C.
Identifiers: ClinVar variation 1434022 (VCV001434022.12), dbSNP rs775703296, ClinGen allele CA4214518.

ClinVar aggregate classification (germline): Uncertain significance. Review status: criteria provided, multiple submitters, no conflicts (2 of 4 stars). 6 submissions from 6 submitters: Uncertain significance (6). Last evaluated 2026-02-09.

Conditions:
BBS9-related disorder. Also called: BBS9-related condition.
Bardet-Biedl syndrome 9 (BBS9). Identifiers: Orphanet 110, MedGen C1859567, MONDO:0014437, OMIM 615986.
Inborn genetic diseases. Identifiers: MedGen C0950123, MeSH D030342.
Bardet-Biedl syndrome (BBS). Identifiers: Orphanet 110, MedGen C0752166, MONDO:0015229.

Allele frequency attached by ClinVar (database versions not stated): gnomAD 0.00002; ExAC 0.00003; gnomAD exomes 0.00003; TOPMed 0.00003.
gnomAD v4.1: 45 of 1,605,486 alleles (0.0028%); highest among the groups gnomAD compares: Admixed American, 0.012%; no homozygotes.

Submissions (6):

PreventionGenetics, part of Exact Sciences
Classification: Uncertain significance for BBS9-related condition. Last evaluated: 2026-02-09. Review status: criteria provided, single submitter. Criteria: ACMG Guidelines, 2015. Collection method: clinical testing. Allele origin: germline.
Comment: The BBS9 c.1798C>T variant is predicted to result in the amino acid substitution p.Arg600Cys. To our knowledge, this variant has not been reported in the literature. This variant is reported in 0.0068% of alleles in individuals of South Asian descent in gnomAD. At this time, the clinical significance of this variant is uncertain due to the absence of conclusive functional and genetic evidence.

Labcorp Genetics (formerly Invitae), Labcorp
Classification: Uncertain significance for Bardet-Biedl syndrome. Last evaluated: 2024-11-05. Review status: criteria provided, single submitter. Criteria: Invitae Variant Classification Sherloc (09022015). Collection method: clinical testing. Allele origin: germline.
Comment: This sequence change replaces arginine, which is basic and polar, with cysteine, which is neutral and slightly polar, at codon 600 of the BBS9 protein (p.Arg600Cys). This variant is present in population databases (rs775703296, gnomAD 0.007%). This variant has not been reported in the literature in individuals affected with BBS9-related conditions. ClinVar contains an entry for this variant (Variation ID: 1434022). Invitae Evidence Modeling of protein sequence and biophysical properties (such as structural, functional, and spatial information, amino acid conservation, physicochemical variation, residue mobility, and thermodynamic stability) indicates that this missense variant is expected to disrupt BBS9 protein function with a positive predictive value of 80%. In summary, the available evidence is currently insufficient to determine the role of this variant in disease. Therefore, it has been classified as a Variant of Uncertain Significance.

Blueprint Genetics
Classification: Uncertain significance. Last evaluated: 2024-11-01. Review status: criteria provided, single submitter. Criteria: ACMG Guidelines, 2015. Collection method: clinical testing. Allele origin: germline.

Ambry Genetics
Classification: Uncertain significance for Inborn genetic diseases. Last evaluated: 2024-08-14. Review status: criteria provided, single submitter. Criteria: Ambry Variant Classification Scheme 2023. Collection method: clinical testing. Allele origin: germline.

Daryl Scott Lab, Baylor College of Medicine
Classification: Uncertain significance for Bardet-Biedl syndrome 9. Last evaluated: 2024-01-01. Review status: criteria provided, single submitter. Criteria: ACMG Guidelines, 2015. Collection method: clinical testing. Allele origin: unknown. Observed: 1 heterozygote.
Comment: PM2, PP3

Fulgent Genetics
Classification: Uncertain significance for Bardet-Biedl syndrome 9. Last evaluated: 2022-03-15. Review status: criteria provided, single submitter. Criteria: ACMG Guidelines, 2015. Collection method: clinical testing. Allele origin: unknown.